The following is an entry in ClinVar:

NM_003803.4(MYOM1):c.4106C>T (p.Thr1369Ile)

Gene: MYOM1 (myomesin 1; minus strand). Cytogenetic location: 18p11.31.
Variant type: single nucleotide variant.
Coding change: c.4106C>T on transcript NM_003803.4 (MANE Select); coding-DNA position 4106, C replaced by T.
Protein change: p.Thr1369Ile; replaces threonine 1369 with isoleucine.
Molecular consequence: missense variant.
Genome position (GRCh38, 1-based): chr18:3,089,205, G>A on the plus strand (C>T on the coding strand, the complement: MYOM1 is on the minus strand). VCF-style: chr18-3089205-G-A. GRCh37 (hg19) VCF-style: chr18-3089203-G-A.
Other names: c.3818C>T, p.Thr1273Ile (NM_019856.2); short protein forms T1273I, T1369I.
Identifiers: ClinVar variation 2696849 (VCV002696849.3), dbSNP rs2079191195, ClinGen allele CA401711893.
Genomic context (GRCh38, chr18:3,089,205, plus strand): 5'-CAAATATTAAAAATTTATCTACCTCTTACCTTGCATTTCAATAGTACATTACATTCACCA[G>A]TCACTTCCCAGCTCAAATACTCAACAAAGTGAGGACCTATAAAATTTTAATGACATTAGC-3'
Protein context (NP_003794.3, residues 1359-1379): HFVEYLSWEV[Thr1369Ile]GECNVLLKCK

ClinVar aggregate classification (germline): Uncertain significance (1 of 4 stars; one submission).

Conditions:
Hypertrophic cardiomyopathy. Also called: HYPERTROPHIC MYOCARDIOPATHY. Identifiers: Orphanet 217569, MedGen C0007194, MeSH D002312, MONDO:0005045, HP:0001639.

Submission:

Labcorp Genetics (formerly Invitae), Labcorp
Classification: Uncertain significance for Hypertrophic cardiomyopathy. Last evaluated: 2024-02-14. Review status: criteria provided, single submitter. Criteria: Invitae Variant Classification Sherloc (09022015). Collection method: clinical testing. Allele origin: germline.
Comment: This sequence change replaces threonine, which is neutral and polar, with isoleucine, which is neutral and non-polar, at codon 1369 of the MYOM1 protein (p.Thr1369Ile). This variant is not present in population databases (gnomAD no frequency). This variant has not been reported in the literature in individuals affected with MYOM1-related conditions. Advanced modeling of protein sequence and biophysical properties (such as structural, functional, and spatial information, amino acid conservation, physicochemical variation, residue mobility, and thermodynamic stability) performed at Invitae indicates that this missense variant is expected to disrupt MYOM1 protein function with a positive predictive value of 80%. In summary, the available evidence is currently insufficient to determine the role of this variant in disease. Therefore, it has been classified as a Variant of Uncertain Significance.